The following is an entry in ClinVar:

ClinVar aggregate classification (germline): Uncertain significance (1 of 4 stars; one submission).

Conditions:
Emery-Dreifuss muscular dystrophy (EDMD). Also called: Scapuloperoneal syndrome, X-linked (formerly); Humeroperoneal neuromuscular disease, (formerly). Identifiers: Orphanet 261, MedGen C0410189, MONDO:0016830.

Allele frequency attached by ClinVar (database versions not stated): gnomAD 0.00002.
gnomAD v4.1: 6 of 1,602,930 alleles (0.00037%); highest among the groups gnomAD compares: African/African-American, 0.0053%; no homozygotes.

Submission:

Labcorp Genetics (formerly Invitae), Labcorp
Classification: Uncertain significance for Emery-Dreifuss muscular dystrophy. Last evaluated: 2022-05-16. Review status: criteria provided, single submitter. Criteria: Invitae Variant Classification Sherloc (09022015). Collection method: clinical testing. Allele origin: germline.
Comment: In summary, the available evidence is currently insufficient to determine the role of this variant in disease. Therefore, it has been classified as a Variant of Uncertain Significance. Algorithms developed to predict the effect of missense changes on protein structure and function are either unavailable or do not agree on the potential impact of this missense change (SIFT: "Deleterious"; PolyPhen-2: "Probably Damaging"; Align-GVGD: "Class C15"). This variant has not been reported in the literature in individuals affected with SUN1-related conditions. This variant is not present in population databases (gnomAD no frequency). This sequence change replaces glutamic acid, which is acidic and polar, with lysine, which is basic and polar, at codon 721 of the SUN1 protein (p.Glu721Lys).

NM_001130965.3(SUN1):c.2161G>A (p.Glu721Lys)

Gene: SUN1 (Sad1 and UNC84 domain containing 1; plus strand). Cytogenetic location: 7p22.3.
Variant type: single nucleotide variant.
Coding change: c.2161G>A on transcript NM_001130965.3 (MANE Select); coding-DNA position 2161, G replaced by A.
Protein change: p.Glu721Lys; replaces glutamic acid 721 with lysine.
Molecular consequence: missense variant. On other transcripts: non-coding transcript variant (3), intron variant (12).
Genome position (GRCh38, 1-based): chr7:872,482, G>A. VCF-style: chr7-872482-G-A. GRCh37 (hg19) VCF-style: chr7-912119-G-A.
Other names: c.1852G>A, p.Glu618Lys (NM_001171944.2); c.2161G>A, p.Glu721Lys (NM_001367633.1, NM_001367634.1); c.1810G>A, p.Glu604Lys (NM_001367635.1); c.2269G>A, p.Glu757Lys (NM_001367638.1); c.1702G>A, p.Glu568Lys (NM_001367639.1); c.2341G>A, p.Glu781Lys (NM_001367640.1); c.2443G>A, p.Glu815Lys (NM_001367641.1); c.2146G>A, p.Glu716Lys (NM_001367642.1); and 55 more; short protein forms E532K, E568K, E618K, E665K, E698K, E707K, E737K, E748K.
Identifiers: ClinVar variation 2141842 (VCV002141842.4), dbSNP rs1047648550, ClinGen allele CA152368540.